The following is an entry in ClinVar:

ClinVar aggregate classification (germline): Uncertain significance. Review status: criteria provided, multiple submitters, no conflicts (2 of 4 stars). 4 submissions from 4 submitters: Uncertain significance (4). Last evaluated 2025-05-27.

Conditions:
Osteogenesis imperfecta type I (OI1). Also called: Lobstein disease; OI, TYPE I; OSTEOGENESIS IMPERFECTA TARDA; OSTEOGENESIS IMPERFECTA WITH BLUE SCLERAE; Classic Non-deforming Osteogenesis Imperfecta with Blue Sclerae; Osteogenesis imperfecta type 1. Identifiers: Orphanet 216796, Orphanet 666, MedGen C0023931, MONDO:0008146, OMIM 166200. Disease mechanism: loss of function.
Ehlers-Danlos syndrome, classic type, 1 (EDSCL1). Also called: EHLERS-DANLOS SYNDROME, GRAVIS TYPE; EHLERS-DANLOS SYNDROME, SEVERE CLASSIC TYPE; Ehlers-Danlos Syndrome, Classic Type, COL5A1-Related; EDS I; Ehlers-Danlos syndrome, type 1. Identifiers: MedGen C0268335, MONDO:0019567, OMIM 130000.
Cardiovascular phenotype. Identifiers: MedGen CN230736.

Allele frequency attached by ClinVar (database versions not stated): gnomAD exomes below 0.00001; TOPMed below 0.00001; ExAC 0.00001.
gnomAD v4.1: 4 of 1,614,074 alleles (0.00025%); highest among the groups gnomAD compares: Non-Finnish European, 0.000085%; no homozygotes.

Submissions (4):

Women's Health and Genetics/Laboratory Corporation of America, LabCorp
Classification: Uncertain significance. Last evaluated: 2025-05-27. Review status: criteria provided, single submitter. Criteria: LabCorp Variant Classification Summary - May 2015. Collection method: clinical testing. Allele origin: germline.
Comment: Variant summary: COL1A2 c.3407A>G (p.Asp1136Gly) results in a non-conservative amino acid change in the encoded protein sequence. Algorithms developed to predict the effect of missense changes on protein structure and function all suggest that this variant is likely to be disruptive. The variant allele was found at a frequency of 4e-06 in 251014 control chromosomes. The available data on variant occurrences in the general population are insufficient to allow any conclusion about variant significance. To our knowledge, no occurrence of c.3407A>G in individuals affected with Ehlers-Danlos syndrome, cardiac valvular type and no experimental evidence demonstrating its impact on protein function have been reported. ClinVar contains an entry for this variant (Variation ID: 387735). Based on the evidence outlined above, the variant was classified as uncertain significance.

Labcorp Genetics (formerly Invitae), Labcorp
Classification: Uncertain significance for Osteogenesis imperfecta type I; Ehlers-Danlos syndrome, classic type, 1. Last evaluated: 2025-01-15. Review status: criteria provided, single submitter. Criteria: Invitae Variant Classification Sherloc (09022015). Collection method: clinical testing. Allele origin: germline.
Comment: This sequence change replaces aspartic acid, which is acidic and polar, with glycine, which is neutral and non-polar, at codon 1136 of the COL1A2 protein (p.Asp1136Gly). This variant is not present in population databases (gnomAD no frequency). This variant has not been reported in the literature in individuals affected with COL1A2-related conditions. ClinVar contains an entry for this variant (Variation ID: 387735). Invitae Evidence Modeling of protein sequence and biophysical properties (such as structural, functional, and spatial information, amino acid conservation, physicochemical variation, residue mobility, and thermodynamic stability) has been performed for this missense variant. However, the output from this modeling did not meet the statistical confidence thresholds required to predict the impact of this variant on COL1A2 protein function. In summary, the available evidence is currently insufficient to determine the role of this variant in disease. Therefore, it has been classified as a Variant of Uncertain Significance.

Ambry Genetics
Classification: Uncertain significance for Cardiovascular phenotype. Last evaluated: 2019-06-11. Review status: criteria provided, single submitter. Criteria: Ambry Variant Classification Scheme 2023. Collection method: clinical testing. Allele origin: germline.
Comment: The p.D1136G variant (also known as c.3407A>G), located in coding exon 49 of the COL1A2 gene, results from an A to G substitution at nucleotide position 3407. The aspartic acid at codon 1136 is replaced by glycine, an amino acid with similar properties. This amino acid position is highly conserved in available vertebrate species. In addition, this alteration is predicted to be deleterious by in silico analysis. Since supporting evidence is limited at this time, the clinical significance of this alteration remains unclear.

GeneDx
Classification: Uncertain significance. Last evaluated: 2017-11-28. Review status: criteria provided, single submitter. Criteria: GeneDx Variant Classification (06012015). Collection method: clinical testing. Allele origin: germline. Affected: yes.
Comment: The D1136G variant in the COL1A2 gene has been reported previously as a variant in a Ewings sarcoma-peripheral primitive neuroectodermal tumor, however it is unknown if it was a somatic variant or present in the germline (Crompton et al., 2014). The D1136G variant was not observed in approximately 6,500 individuals of European and African American ancestry in the NHLBI Exome Sequencing Project, indicating it is not a common benign variant in these populations. The D1136G variant is a non-conservative amino acid substitution, which is likely to impact secondary protein structure as these residues differ in polarity, charge, size and/or other properties. This substitution occurs at a position that is conserved across species. In silico analysis predicts this variant is probably damaging to the protein structure/function. We interpret D1136G as a variant of uncertain significance.

NM_000089.4(COL1A2):c.3407A>G (p.Asp1136Gly)

Gene: COL1A2 (collagen type I alpha 2 chain; plus strand). Cytogenetic location: 7q21.3.
Variant type: single nucleotide variant.
Coding change: c.3407A>G on transcript NM_000089.4 (MANE Select); coding-DNA position 3407, A replaced by G.
Protein change: p.Asp1136Gly; replaces aspartic acid 1136 with glycine.
Molecular consequence: missense variant.
Genome position (GRCh38, 1-based): chr7:94,427,766, A>G. VCF-style: chr7-94427766-A-G. GRCh37 (hg19) VCF-style: chr7-94057078-A-G.
Other names: short protein forms D1136G.
Identifiers: ClinVar variation 387735 (VCV000387735.10), dbSNP rs745366015, ClinGen allele CA4347753.
Genomic context (GRCh38, chr7:94,427,766, plus strand): 5'-TCTACAGGGCTGACCAGCCTCGCTCAGCACCTTCTCTCAGACCCAAGGACTATGAAGTTG[A>G]TGCTACTCTGAAGTCTCTCAACAACCAGATTGAGACCCTTCTTACTCCTGAAGGCTCTAG-3'
Protein context (NP_000080.2, residues 1126-1146): PSLRPKDYEV[Asp1136Gly]ATLKSLNNQI